The following is an entry in ClinVar:

NM_000465.4(BARD1):c.2002-2A>C

Gene: BARD1 (BRCA1 associated RING domain 1; minus strand). Cytogenetic location: 2q35.
Variant type: single nucleotide variant.
Coding change: c.2002-2A>C on transcript NM_000465.4 (MANE Select); the canonical splice acceptor site of the intron before coding-DNA position 2002, A replaced by C.
Molecular consequence: splice acceptor variant.
Genome position (GRCh38, 1-based): chr2:214,729,010, T>G on the plus strand (A>C on the coding strand, the complement: BARD1 is on the minus strand). VCF-style: chr2-214729010-T-G. GRCh37 (hg19) VCF-style: chr2-215593734-T-G.
Other names: c.592-2A>C (NM_001282548.2); c.1945-2A>C (NM_001282543.2); c.649-2A>C (NM_001282545.2); c.463-2A>C (NM_001282549.2).
Identifiers: ClinVar variation 265365 (VCV000265365.18), dbSNP rs876658260, ClinGen allele CA10588331.

ClinVar aggregate classification (germline): Conflicting classifications of pathogenicity. Review status: criteria provided, conflicting classifications (1 of 4 stars). 5 submissions from 5 submitters: Likely pathogenic (2); Uncertain significance (3). Last evaluated 2025-05-25.

Conditions:
Familial cancer of breast. Also called: hereditary breast carcinoma; BREAST CANCER, FAMILIAL; Hereditary breast cancer. Identifiers: Orphanet 227535, MedGen C0346153, MONDO:0016419, OMIM 114480. Disease mechanism: loss of function.
BARD1-related cancer predisposition. Identifiers: MedGen CN377756, MONDO:0700267.
Hereditary cancer-predisposing syndrome. Also called: Neoplastic Syndromes, Hereditary; Hereditary neoplastic syndrome; Hereditary Cancer Syndrome; Tumor predisposition. Identifiers: Orphanet 140162, MedGen C0027672, MeSH D009386, MONDO:0015356.

Submissions (5):

Ambry Genetics
Classification: Uncertain significance for Hereditary cancer-predisposing syndrome. Last evaluated: 2025-05-25. Review status: criteria provided, single submitter. Criteria: Ambry Variant Classification Scheme 2023. Collection method: clinical testing. Allele origin: germline.
Comment: The c.2002-2A>C intronic variant results from an A to C substitution two nucleotides upstream from coding exon 11 in the BARD1 gene. This alteration has been detected in 1/1824 patients with triple negative breast cancer who were unselected for a family history of breast or ovarian cancer (Couch FJ et al. J. Clin. Oncol., 2015 Feb;33:304-11). In addition, this alteration was identified in two individuals with personal and family history of breast cancer in a cohort of 4469 breast cancer index patients (Weber-Lassalle N et al. Breast Cancer Res., 2019 04;21:55). This nucleotide position is highly conserved in available vertebrate species. In silico splice site analysis predicts that this alteration will weaken the native splice acceptor site and will result in the creation or strengthening of a novel splice acceptor site. RNA studies have demonstrated that this alteration results in a transcript predicted to lead to a protein with an in-frame deletion of three amino acids; however, the exact functional impact of the deleted amino acids is unknown at this time (Ambry internal data). Since supporting evidence is limited at this time, the clinical significance of this alteration remains unclear.

Molecular Pathology, Peter Maccallum Cancer Centre
Classification: Uncertain significance for BARD1-related cancer predisposition. Last evaluated: 2025-02-13. Review status: criteria provided, single submitter. Criteria: ACMG Guidelines, 2015. Collection method: clinical testing. Allele origin: germline. Inheritance: Autosomal dominant inheritance.

Labcorp Genetics (formerly Invitae), Labcorp
Classification: Uncertain significance for Familial cancer of breast. Last evaluated: 2024-01-02. Review status: criteria provided, single submitter. Criteria: Invitae Variant Classification Sherloc (09022015). Collection method: clinical testing. Allele origin: germline.
Comment: This sequence change affects an acceptor splice site in intron 10 of the BARD1 gene. While this variant is not anticipated to result in nonsense mediated decay, it likely alters RNA splicing and results in a disrupted protein product. This variant is not present in population databases (gnomAD no frequency). Disruption of this splice site has been observed in individual(s) with breast cancer and prostate cancer (PMID: 25452441, 31036035, 32338768, 33804961). ClinVar contains an entry for this variant (Variation ID: 265365). Variants that disrupt the consensus splice site are a relatively common cause of aberrant splicing (PMID: 17576681, 9536098). Algorithms developed to predict the effect of sequence changes on RNA splicing suggest that this variant may disrupt the consensus splice site. In summary, the available evidence is currently insufficient to determine the role of this variant in disease. Therefore, it has been classified as a Variant of Uncertain Significance.

Myriad Genetics, Inc.
Classification: Likely pathogenic for Familial cancer of breast. Last evaluated: 2023-05-25. Review status: criteria provided, single submitter. Criteria: Myriad Autosomal Dominant, Autosomal Recessive and X-Linked Classification Criteria (2023). Collection method: clinical testing. Allele origin: unknown.
Comment: This variant is considered likely pathogenic. This variant occurs within a consensus splice junction and is predicted to result in abnormal mRNA splicing of either an out-of-frame exon or an in-frame exon necessary for protein stability and/or normal function.

GeneDx
Classification: Likely pathogenic. Last evaluated: 2016-06-28. Review status: criteria provided, single submitter. Criteria: GeneDx Variant Classification (06012015). Collection method: clinical testing. Allele origin: germline. Affected: yes.
Comment: This variant is denoted BARD1 c.2002-2A>C or IVS10-2A>C and consists of an A>C nucleotide substitution at the -2 position of intron 10 of the BARD1 gene. This variant destroys a canonical splice acceptor site and is predicted to cause abnormal gene splicing, leading to either an abnormal message that is subject to nonsense-mediated mRNA decay or to an abnormal protein product. This variant was observed in an individual with triple negative breast cancer (Couch 2015). Based on the currently available evidence, we consider BARD1 c.2002-2A>C to be a likely pathogenic variant.

Literature cited by the submitters: PubMed 25452441 (cited by Ambry Genetics and Labcorp Genetics (formerly Invitae), Labcorp); PubMed 31036035 (cited by Ambry Genetics and Labcorp Genetics (formerly Invitae), Labcorp); PubMed 32338768 (cited by Labcorp Genetics (formerly Invitae), Labcorp); PubMed 33804961 (cited by Labcorp Genetics (formerly Invitae), Labcorp); PubMed 17576681 (cited by Labcorp Genetics (formerly Invitae), Labcorp); PubMed 9536098 (cited by Labcorp Genetics (formerly Invitae), Labcorp).